The following is an entry in ClinVar:

NM_014991.6(WDFY3):c.7591G>A (p.Glu2531Lys)

Gene: WDFY3 (WD repeat and FYVE domain containing 3; minus strand). Cytogenetic location: 4q21.23.
Variant type: single nucleotide variant.
Coding change: c.7591G>A on transcript NM_014991.6 (MANE Select); coding-DNA position 7591, G replaced by A.
Protein change: p.Glu2531Lys; replaces glutamic acid 2531 with lysine.
Molecular consequence: missense variant.
Genome position (GRCh38, 1-based): chr4:84,721,423, C>T on the plus strand (G>A on the coding strand, the complement: WDFY3 is on the minus strand). VCF-style: chr4-84721423-C-T. GRCh37 (hg19) VCF-style: chr4-85642576-C-T.
Other names: short protein forms E2531K.
Identifiers: ClinVar variation 5009600 (VCV005009600.1).

ClinVar aggregate classification (germline): Uncertain significance (1 of 4 stars; one submission).

Submission:

GeneDx
Classification: Uncertain significance. Last evaluated: 2026-02-23. Review status: criteria provided, single submitter. Criteria: GeneDx Variant Classification Process June 2021. Collection method: clinical testing. Allele origin: germline.
Comment: Not observed at significant frequency in large population cohorts (gnomAD); In silico analysis supports that this missense variant has a deleterious effect on protein structure/function; Has not been previously published as pathogenic or benign to our knowledge